The following is an entry in ClinVar:

NM_030761.5(WNT4):c.254G>A (p.Arg85Gln)

Gene: WNT4 (Wnt family member 4; minus strand). Cytogenetic location: 1p36.12.
Variant type: single nucleotide variant.
Coding change: c.254G>A on transcript NM_030761.5 (MANE Select); coding-DNA position 254, G replaced by A.
Protein change: p.Arg85Gln; replaces arginine 85 with glutamine.
Molecular consequence: missense variant.
Genome position (GRCh38, 1-based): chr1:22,129,675, C>T on the plus strand (G>A on the coding strand, the complement: WNT4 is on the minus strand). VCF-style: chr1-22129675-C-T. GRCh37 (hg19) VCF-style: chr1-22456168-C-T.
Other names: short protein forms R85Q.
Identifiers: ClinVar variation 4681681 (VCV004681681.6).

ClinVar aggregate classification (germline): Uncertain significance. Review status: criteria provided, multiple submitters, no conflicts (2 of 4 stars). 2 submissions from 2 submitters: Uncertain significance (2). Last evaluated 2025-12-01.

gnomAD v4.1: 8 of 1,613,884 alleles (0.0005%); highest among the groups gnomAD compares: East Asian, 0.0045%; no homozygotes.

Submissions (2):

CeGaT Center for Human Genetics Tuebingen
Classification: Uncertain significance. Last evaluated: 2025-12-01. Review status: criteria provided, single submitter. Criteria: CeGaT Center For Human Genetics Tuebingen Variant Classification Criteria Version 2. Collection method: clinical testing. Allele origin: germline. Affected: yes. Observed: 1 variant allele.
Comment: WNT4: PP3

Labcorp Genetics (formerly Invitae), Labcorp
Classification: Uncertain significance. Last evaluated: 2025-02-27. Review status: criteria provided, single submitter. Criteria: Invitae Variant Classification Sherloc (09022015). Collection method: clinical testing. Allele origin: germline.
Comment: This sequence change replaces arginine, which is basic and polar, with glutamine, which is neutral and polar, at codon 85 of the WNT4 protein (p.Arg85Gln). This variant is present in population databases (rs781558840, gnomAD 0.006%). This variant has not been reported in the literature in individuals affected with WNT4-related conditions. Invitae Evidence Modeling of protein sequence and biophysical properties (such as structural, functional, and spatial information, amino acid conservation, physicochemical variation, residue mobility, and thermodynamic stability) has been performed for this missense variant. However, the output from this modeling did not meet the statistical confidence thresholds required to predict the impact of this variant on WNT4 protein function. In summary, the available evidence is currently insufficient to determine the role of this variant in disease. Therefore, it has been classified as a Variant of Uncertain Significance.